The following is an entry in ClinVar:

ClinVar aggregate classification (germline): Likely benign (1 of 4 stars; one submission).

Allele frequency attached by ClinVar (database versions not stated): 1000 Genomes Project 30x 0.00031; 1000 Genomes Project 0.00040; gnomAD 0.00042 and 0.00046; ESP Exome Variant Server 0.00069.
gnomAD v4.1: 128 of 1,614,002 alleles (0.0079%); highest among the groups gnomAD compares: African/African-American, 0.14%; no homozygotes.

Submission:

CeGaT Center for Human Genetics Tuebingen
Classification: Likely benign. Last evaluated: 2022-06-01. Review status: criteria provided, single submitter. Criteria: CeGaT Center For Human Genetics Tuebingen Variant Classification Criteria Version 2. Collection method: clinical testing. Allele origin: germline. Affected: yes. Observed: 1 variant allele.
Comment: NCDN: BP4, BP7

NM_014284.3(NCDN):c.240C>T (p.Val80=)

Gene: NCDN (neurochondrin; plus strand). Cytogenetic location: 1p34.3.
Variant type: single nucleotide variant.
Coding change: c.240C>T on transcript NM_014284.3 (MANE Select); coding-DNA position 240, C replaced by T.
Protein change: p.Val80=; no amino-acid change (valine 80 retained).
Molecular consequence: synonymous variant.
Genome position (GRCh38, 1-based): chr1:35,560,391, C>T. VCF-style: chr1-35560391-C-T. GRCh37 (hg19) VCF-style: chr1-36025992-C-T.
Other names: c.240C>T, p.Val80= (NM_001014839.2); c.189C>T, p.Val63= (NM_001014841.2).
Identifiers: ClinVar variation 1694506 (VCV001694506.31), dbSNP rs146042879, ClinGen allele CA760084.
Genomic context (GRCh38, chr1:35,560,391, plus strand): 5'-CAAGGCAGTCAAAGCAGGTGACATAGATGCCAAAACTCGGCGGCGGATCTTCGATGCTGT[C>T]GGCTTCACCTTCCCCAATCGTCTCCTGACCACCAAGGAGGCGCCGGATGGCTGCCCTGAC-3'
Protein context (NP_055099.1, residues 70-90): AKTRRRIFDA[Val80=]GFTFPNRLLT